The following is an entry in ClinVar:

NM_000169.3(GLA):c.73G>A (p.Asp25Asn)

Genes: GLA (galactosidase alpha; minus strand), RPL36A-HNRNPH2 (RPL36A-HNRNPH2 readthrough; plus strand). Cytogenetic location: Xq22.1.
Variant type: single nucleotide variant.
Coding change: c.73G>A on transcript NM_000169.3 (MANE Select); coding-DNA position 73, G replaced by A.
Protein change: p.Asp25Asn; replaces aspartic acid 25 with asparagine.
Molecular consequence: missense variant. On other transcripts: non-coding transcript variant (3), intron variant (2).
Genome position (GRCh38, 1-based): chrX:101,407,831, C>T on the plus strand (G>A on the coding strand, the complement: GLA is on the minus strand). VCF-style: chrX-101407831-C-T. GRCh37 (hg19) VCF-style: chrX-100662819-C-T.
Other names: c.73G>A, p.Asp25Asn (NM_001406747.1, NM_001406748.1, NM_001406749.1); c.301-4105C>T (NM_001199973.2); c.178-4105C>T (NM_001199974.2); short protein forms D25N.
Identifiers: ClinVar variation 923075 (VCV000923075.14), dbSNP rs781788693, ClinGen allele CA031966.

ClinVar aggregate classification (germline): Uncertain significance. Review status: criteria provided, multiple submitters, no conflicts (2 of 4 stars). 6 submissions from 6 submitters: Uncertain significance (6). Last evaluated 2025-12-31.

Conditions:
Hypertrophic cardiomyopathy 1 (CMH1). Also called: MYH7-Related Familial Hypertrophic Cardiomyopathy; Familial hypertrophic cardiomyopathy 1. Identifiers: MedGen C3495498, MONDO:0008647, OMIM 192600.
Fabry disease. Also called: ALPHA-GALACTOSIDASE A DEFICIENCY; ANDERSON-FABRY DISEASE; CERAMIDE TRIHEXOSIDASE DEFICIENCY; GLA DEFICIENCY; HEREDITARY DYSTOPIC LIPIDOSIS; Fabry's disease. Identifiers: Orphanet 324, MedGen C0002986, MONDO:0010526, OMIM 301500, HP:0001071. Disease mechanism: loss of function, Fabry disease is due to inactivating mutations in the X-linked GLA gene resulting in deficiency of the enzyme Alpha Galactosidase-A..

Allele frequency attached by ClinVar (database versions not stated): ExAC 0.00001; gnomAD exomes 0.00001.

Submissions (6):

Labcorp Genetics (formerly Invitae), Labcorp
Classification: Uncertain significance for Fabry disease. Last evaluated: 2025-12-31. Review status: criteria provided, single submitter. Criteria: Invitae Variant Classification Sherloc (09022015). Collection method: clinical testing. Allele origin: germline.
Comment: This sequence change replaces aspartic acid, which is acidic and polar, with asparagine, which is neutral and polar, at codon 25 of the GLA protein (p.Asp25Asn). This variant is present in population databases (rs781788693, gnomAD 0.005%). This variant has not been reported in the literature in individuals affected with GLA-related conditions. ClinVar contains an entry for this variant (Variation ID: 923075). Invitae Evidence Modeling of protein sequence and biophysical properties (such as structural, functional, and spatial information, amino acid conservation, physicochemical variation, residue mobility, and thermodynamic stability) indicates that this missense variant is not expected to disrupt GLA protein function with a negative predictive value of 95%. In summary, the available evidence is currently insufficient to determine the role of this variant in disease. Therefore, it has been classified as a Variant of Uncertain Significance.

Color Diagnostics, LLC DBA Color Health
Classification: Uncertain significance for Fabry disease. Last evaluated: 2024-03-06. Review status: criteria provided, single submitter. Criteria: ACMG Guidelines, 2015. Collection method: clinical testing. Allele origin: germline.
Comment: This missense variant replaces aspartic acid with asparagine at codon 25 of the GLA protein. Computational prediction suggests that this variant may not impact protein structure and function (internally defined REVEL score threshold <= 0.5, PMID: 27666373). Splice site prediction tools suggest that this variant may not impact RNA splicing. To our knowledge, functional studies have not been performed for this variant. This variant has not been reported in individuals affected with cardiovascular disorders in the literature. This variant has been identified in 1/183434 chromosomes in the general population by the Genome Aggregation Database (gnomAD). The available evidence is insufficient to determine the role of this variant in disease conclusively. Therefore, this variant is classified as a Variant of Uncertain Significance.

All of Us Research Program, National Institutes of Health
Classification: Uncertain significance for Fabry disease. Last evaluated: 2023-05-31. Review status: criteria provided, single submitter. Criteria: ACMG Guidelines, 2015. Collection method: clinical testing. Allele origin: germline. Inheritance: X-linked inheritance. Observed: 1 variant allele, 1 heterozygote.
Comment: This study involves interpretation of variants in research participants for the purpose of population health screening. Participant phenotype was not available at the time of variant classification. Additional details can be found in publication PMID: 35346344, PMCID: PMC8962531

Fulgent Genetics
Classification: Uncertain significance for Fabry disease. Last evaluated: 2021-12-24. Review status: criteria provided, single submitter. Criteria: ACMG Guidelines, 2015. Collection method: clinical testing. Allele origin: unknown.

Genome-Nilou Lab
Classification: Uncertain significance for Fabry disease. Last evaluated: 2021-07-15. Review status: criteria provided, single submitter. Criteria: ACMG Guidelines, 2015. Collection method: clinical testing. Allele origin: germline. Affected: no.

Molecular Diagnostic Laboratory for Inherited Cardiovascular Disease, Montreal Heart Institute
Classification: Uncertain significance for Hypertrophic cardiomyopathy 1. Last evaluated: 2019-06-06. Review status: criteria provided, single submitter. Criteria: ACMG Guidelines, 2015. Collection method: clinical testing. Allele origin: germline. Affected: yes.